The following is an entry in ClinVar:

NM_052854.4(CREB3L1):c.512A>C (p.His171Pro)

Gene: CREB3L1 (cAMP responsive element binding protein 3 like 1; plus strand). Cytogenetic location: 11p11.2.
Variant type: single nucleotide variant.
Coding change: c.512A>C on transcript NM_052854.4 (MANE Select); coding-DNA position 512, A replaced by C.
Protein change: p.His171Pro; replaces histidine 171 with proline.
Molecular consequence: missense variant.
Genome position (GRCh38, 1-based): chr11:46,307,996, A>C. VCF-style: chr11-46307996-A-C. GRCh37 (hg19) VCF-style: chr11-46329547-A-C.
Other names: short protein forms H171P.
Identifiers: ClinVar variation 1351439 (VCV001351439.5), dbSNP rs2136351944, ClinGen allele CA380217099.

ClinVar aggregate classification (germline): Uncertain significance (1 of 4 stars; one submission).

Allele frequency attached by ClinVar (database versions not stated): gnomAD exomes below 0.00001.
gnomAD v4.1: 1 of 1,532,028 alleles (0.000065%); highest among the groups gnomAD compares: Non-Finnish European, 0.000088%; no homozygotes.

Submission:

Labcorp Genetics (formerly Invitae), Labcorp
Classification: Uncertain significance. Last evaluated: 2021-08-20. Review status: criteria provided, single submitter. Criteria: Invitae Variant Classification Sherloc (09022015). Collection method: clinical testing. Allele origin: germline.
Comment: This sequence change replaces histidine with proline at codon 171 of the CREB3L1 protein (p.His171Pro). The histidine residue is moderately conserved and there is a moderate physicochemical difference between histidine and proline. The frequency data for this variant in the population databases is considered unreliable, as metrics indicate insufficient coverage at this position in the ExAC database. This variant has not been reported in the literature in individuals affected with CREB3L1-related conditions. Algorithms developed to predict the effect of missense changes on protein structure and function output the following: SIFT: "Tolerated"; PolyPhen-2: "Benign"; Align-GVGD: "Class C0". The proline amino acid residue is found in multiple mammalian species, which suggests that this missense change does not adversely affect protein function. In summary, the available evidence is currently insufficient to determine the role of this variant in disease. Therefore, it has been classified as a Variant of Uncertain Significance.